The following is an entry in ClinVar:

NM_005120.3(MED12):c.3488dup (p.Asp1164fs)

Gene: MED12 (mediator complex subunit 12; plus strand). Cytogenetic location: Xq13.1.
Variant type: Duplication.
Coding change: c.3488dup on transcript NM_005120.3 (MANE Select); coding-DNA position 3488, one base duplicated (A; older notation c.3488dupA).
Protein change: p.Asp1164fs; shifts the reading frame from aspartic acid 1164.
Molecular consequence: frameshift variant.
Genome position (GRCh38, 1-based): chrX:71,129,126, A duplicated. VCF-style (leftmost placement, unchanged base first): chrX-71129125-C-CA. GRCh37 (hg19) VCF-style: chrX-70348975-C-CA.
Other names: short protein forms D1164fs.
Identifiers: ClinVar variation 2818227 (VCV002818227.3), dbSNP rs2519691305, ClinGen allele CA2739273568.
Genomic context (GRCh38, chrX:71,129,125, plus strand): 5'-CATACAGTTTAACTTCATCCCTTCCAGATCTGTTTTGTCTTCCTTTTAGCTTGTAGTGAA[C>CA]AGGACTCTGAGCCAGGGGCCCGGCTTACCTGCCGCATCCTCCTTCACCTTTTCAAGACAC-3'

ClinVar aggregate classification (germline): Pathogenic (1 of 4 stars; one submission).

Conditions:
FG syndrome (FGS). Identifiers: MedGen C0220769, MONDO:0002010.

Submission:

Labcorp Genetics (formerly Invitae), Labcorp
Classification: Pathogenic for FG syndrome. Last evaluated: 2025-07-28. Review status: criteria provided, single submitter. Criteria: Invitae Variant Classification Sherloc (09022015). Collection method: clinical testing. Allele origin: germline.
Comment: This sequence change creates a premature translational stop signal (p.Asp1164Glyfs*3) in the MED12 gene. It is expected to result in an absent or disrupted protein product. Loss-of-function variants in MED12 are known to be pathogenic (PMID: 33244165, 33244166). This variant is not present in population databases (gnomAD no frequency). This variant has not been reported in the literature in individuals affected with MED12-related conditions. ClinVar contains an entry for this variant (Variation ID: 2818227). For these reasons, this variant has been classified as Pathogenic.

Literature cited by the submitters: PubMed 33244165; PubMed 33244166.